The following is an entry in ClinVar:

NM_001012339.3(DNAJC21):c.280G>A (p.Val94Ile)

Gene: DNAJC21 (DnaJ heat shock protein family (Hsp40) member C21; plus strand). Cytogenetic location: 5p13.2.
Variant type: single nucleotide variant.
Coding change: c.280G>A on transcript NM_001012339.3 (MANE Select); coding-DNA position 280, G replaced by A.
Protein change: p.Val94Ile; replaces valine 94 with isoleucine.
Molecular consequence: missense variant.
Genome position (GRCh38, 1-based): chr5:34,935,798, G>A. VCF-style: chr5-34935798-G-A. GRCh37 (hg19) VCF-style: chr5-34935903-G-A.
Other names: c.280G>A, p.Val94Ile (NM_001348420.2, NM_194283.4); short protein forms V94I.
Identifiers: ClinVar variation 2159235 (VCV002159235.1), dbSNP rs780572204, ClinGen allele CA3228394.

ClinVar aggregate classification (germline): Uncertain significance (1 of 4 stars; one submission).

Allele frequency attached by ClinVar (database versions not stated): gnomAD exomes 0.00002; TOPMed 0.00003; ExAC 0.00005.
gnomAD v4.1: 34 of 1,613,840 alleles (0.0021%); highest among the groups gnomAD compares: African/African-American, 0.013%; no homozygotes.

Submission:

Labcorp Genetics (formerly Invitae), Labcorp
Classification: Uncertain significance. Last evaluated: 2022-07-19. Review status: criteria provided, single submitter. Criteria: Invitae Variant Classification Sherloc (09022015). Collection method: clinical testing. Allele origin: germline.
Comment: This sequence change replaces valine, which is neutral and non-polar, with isoleucine, which is neutral and non-polar, at codon 94 of the DNAJC21 protein (p.Val94Ile). This variant is present in population databases (rs780572204, gnomAD 0.02%). This variant has not been reported in the literature in individuals affected with DNAJC21-related conditions. Algorithms developed to predict the effect of missense changes on protein structure and function are either unavailable or do not agree on the potential impact of this missense change (SIFT: "Tolerated"; PolyPhen-2: "Possibly Damaging"; Align-GVGD: "Class C0"). In summary, the available evidence is currently insufficient to determine the role of this variant in disease. Therefore, it has been classified as a Variant of Uncertain Significance.